The following is an entry in ClinVar:

ClinVar aggregate classification (germline): Uncertain significance (1 of 4 stars; one submission).

Conditions:
Inborn genetic diseases. Identifiers: MedGen C0950123, MeSH D030342.

Submission:

Ambry Genetics
Classification: Uncertain significance for Inborn genetic diseases. Last evaluated: 2024-09-12. Review status: criteria provided, single submitter. Criteria: Ambry Variant Classification Scheme 2023. Collection method: clinical testing. Allele origin: germline.
Comment: The c.635T>C (p.L212S) alteration is located in exon 4 (coding exon 3) of the EXT2 gene. This alteration results from a T to C substitution at nucleotide position 635, causing the leucine (L) at amino acid position 212 to be replaced by a serine (S). This variant was not reported in population-based cohorts in the Genome Aggregation Database (gnomAD). This amino acid position is highly conserved in available vertebrate species. This alteration is predicted to be deleterious by in silico analysis. Based on insufficient or conflicting evidence, the clinical significance of this alteration remains unclear.

NM_207122.2(EXT2):c.635T>C (p.Leu212Ser)

Gene: EXT2 (exostosin glycosyltransferase 2; plus strand). Cytogenetic location: 11p11.2.
Variant type: single nucleotide variant.
Coding change: c.635T>C on transcript NM_207122.2 (MANE Select); coding-DNA position 635, T replaced by C.
Protein change: p.Leu212Ser; replaces leucine 212 with serine.
Molecular consequence: missense variant.
Genome position (GRCh38, 1-based): chr11:44,114,193, T>C. VCF-style: chr11-44114193-T-C. GRCh37 (hg19) VCF-style: chr11-44135743-T-C.
Other names: c.734T>C, p.Leu245Ser (NM_000401.3); c.635T>C, p.Leu212Ser (NM_001178083.3, NM_001389628.1, NM_001389630.1); short protein forms L245S, L212S.
Identifiers: ClinVar variation 3511094 (VCV003511094.1).